The following is an entry in ClinVar:

ClinVar aggregate classification (germline): Uncertain significance. Review status: criteria provided, multiple submitters, no conflicts (2 of 4 stars). 2 submissions from 2 submitters: Uncertain significance (2). Last evaluated 2024-10-29.

Conditions:
Hereditary cancer-predisposing syndrome. Also called: Neoplastic Syndromes, Hereditary; Tumor predisposition; Hereditary neoplastic syndrome; Hereditary Cancer Syndrome. Identifiers: Orphanet 140162, MedGen C0027672, MeSH D009386, MONDO:0015356.

Allele frequency attached by ClinVar (database versions not stated): gnomAD exomes below 0.00001; TOPMed below 0.00001.
gnomAD v4.1: 1 of 1,613,832 alleles (0.000062%); highest among the groups gnomAD compares: African/African-American, 0.0013%; no homozygotes.

Submissions (2):

Labcorp Genetics (formerly Invitae), Labcorp
Classification: Uncertain significance. Last evaluated: 2024-10-29. Review status: criteria provided, single submitter. Criteria: Invitae Variant Classification Sherloc (09022015). Collection method: clinical testing. Allele origin: germline.
Comment: This sequence change replaces leucine, which is neutral and non-polar, with phenylalanine, which is neutral and non-polar, at codon 2083 of the POLE protein (p.Leu2083Phe). This variant is not present in population databases (gnomAD no frequency). This variant has not been reported in the literature in individuals affected with POLE-related conditions. ClinVar contains an entry for this variant (Variation ID: 566295). Invitae Evidence Modeling of protein sequence and biophysical properties (such as structural, functional, and spatial information, amino acid conservation, physicochemical variation, residue mobility, and thermodynamic stability) indicates that this missense variant is not expected to disrupt POLE protein function with a negative predictive value of 80%. In summary, the available evidence is currently insufficient to determine the role of this variant in disease. Therefore, it has been classified as a Variant of Uncertain Significance.

Ambry Genetics
Classification: Uncertain significance for Hereditary cancer-predisposing syndrome. Last evaluated: 2024-07-06. Review status: criteria provided, single submitter. Criteria: Ambry Variant Classification Scheme 2023. Collection method: clinical testing. Allele origin: germline.
Comment: The p.L2083F variant (also known as c.6247C>T), located in coding exon 45 of the POLE gene, results from a C to T substitution at nucleotide position 6247. The leucine at codon 2083 is replaced by phenylalanine, an amino acid with highly similar properties. This amino acid position is conserved. In addition, this alteration is predicted to be tolerated by in silico analysis. Based on the available evidence, the clinical significance of this variant remains unclear.

NM_006231.4(POLE):c.6247C>T (p.Leu2083Phe)

Gene: POLE (DNA polymerase epsilon, catalytic subunit; minus strand). Cytogenetic location: 12q24.33.
Variant type: single nucleotide variant.
Coding change: c.6247C>T on transcript NM_006231.4 (MANE Select); coding-DNA position 6247, C replaced by T.
Protein change: p.Leu2083Phe; replaces leucine 2083 with phenylalanine.
Molecular consequence: missense variant.
Genome position (GRCh38, 1-based): chr12:132,632,398, G>A on the plus strand (C>T on the coding strand, the complement: POLE is on the minus strand). VCF-style: chr12-132632398-G-A. GRCh37 (hg19) VCF-style: chr12-133208984-G-A.
Other names: c.6247C>T (NM_006231.2); short protein forms L2083F.
Identifiers: ClinVar variation 566295 (VCV000566295.7), dbSNP rs1022668614, ClinGen allele CA246292770.